The following is an entry in ClinVar:

NM_182961.4(SYNE1):c.16249A>G (p.Ile5417Val)

Gene: SYNE1 (spectrin repeat containing nuclear envelope protein 1; minus strand). Cytogenetic location: 6q25.2.
Variant type: single nucleotide variant.
Coding change: c.16249A>G on transcript NM_182961.4 (MANE Select); coding-DNA position 16249, A replaced by G.
Protein change: p.Ile5417Val; replaces isoleucine 5417 with valine.
Molecular consequence: missense variant.
Genome position (GRCh38, 1-based): chr6:152,319,003, T>C on the plus strand (A>G on the coding strand, the complement: SYNE1 is on the minus strand). VCF-style: chr6-152319003-T-C. GRCh37 (hg19) VCF-style: chr6-152640138-T-C.
Other names: c.16036A>G, p.Ile5346Val (NM_033071.5); short protein forms I5346V, I5417V.
Identifiers: ClinVar variation 426881 (VCV000426881.2), dbSNP rs528055779, ClinGen allele CA4055561.

ClinVar aggregate classification (germline): Uncertain significance (1 of 4 stars; one submission).

Allele frequency attached by ClinVar (database versions not stated): gnomAD 0.00001; gnomAD exomes 0.00002; TOPMed 0.00002; ExAC 0.00004; 1000 Genomes Project 30x 0.00016; 1000 Genomes Project 0.00020.
gnomAD v4.1: 30 of 1,614,168 alleles (0.0019%); highest among the groups gnomAD compares: East Asian, 0.06%; no homozygotes.

Submission:

GeneDx
Classification: Uncertain significance. Last evaluated: 2017-03-29. Review status: criteria provided, single submitter. Criteria: GeneDx Variant Classification (06012015). Collection method: clinical testing. Allele origin: germline. Affected: yes.
Comment: A variant of uncertain significance has been identified in the SYNE1 gene. The I5346V variant has not been published as a pathogenic variant, nor has it been reported as a benign variant to our knowledge. The I5346V variant is observed in 2/8,492 (0.02%) alleles from individuals of East Asian background, in the ExAC dataset (Lek et al., 2016; 1000 Genomes Consortium et al., 2015; Exome Variant Server). The I5346V variant is a conservative amino acid substitution, which is not likely to impact secondary protein structure as these residues share similar properties. This substitution occurs at a position that is not conserved, and in silico analysis predicts this variant likely does not alter the protein structure/function. However, based on the currently available information, it is unclear whether this variant is a pathogenic variant or a rare benign variant.